The following is an entry in ClinVar:

NM_001958.5(EEF1A2):c.293T>G (p.Phe98Cys)

Gene: EEF1A2 (eukaryotic translation elongation factor 1 alpha 2; minus strand). Cytogenetic location: 20q13.33.
Variant type: single nucleotide variant.
Coding change: c.293T>G on transcript NM_001958.5 (MANE Select); coding-DNA position 293, T replaced by G.
Protein change: p.Phe98Cys; replaces phenylalanine 98 with cysteine.
Molecular consequence: missense variant.
Genome position (GRCh38, 1-based): chr20:63,495,887, A>C on the plus strand (T>G on the coding strand, the complement: EEF1A2 is on the minus strand). VCF-style: chr20-63495887-A-C. GRCh37 (hg19) VCF-style: chr20-62127240-A-C.
Other names: short protein forms F98C.
Identifiers: ClinVar variation 830076 (VCV000830076.1), dbSNP rs1359844902, ClinGen allele CA409651302.
Genomic context (GRCh38, chr20:63,495,887, plus strand): 5'-CCCAGCCCCGCCTGCTGTGCCCTGCTCACCTGGGATGTACCCGTGATCATGTTCTTGATG[A>C]AGTCGCGGTGGCCGGGGGCATCGATGATGGTGATGTAGTACTTGGTGGTCTCGAACTTCC-3'
Protein context (NP_001949.1, residues 88-108): TIIDAPGHRD[Phe98Cys]IKNMITGTSQ

ClinVar aggregate classification (germline): Likely pathogenic (1 of 4 stars; one submission).

Conditions:
EEF1A2-related developmental and degenerative epileptic-dyskinetic encephalopathy.

Submission:

Epilepsy Neurogenetics Initiative, Children's Hospital of Philadelphia
Classification: Likely pathogenic for EEF1A2-related developmental and degenerative epileptic-dyskinetic encephalopathy. Last evaluated: 2020-02-13. Review status: criteria provided, single submitter. Criteria: ACMG Guidelines, 2015. Collection method: research. Allele origin: de novo. Inheritance: Autosomal dominant inheritance. Affected: yes.
Comment: The EEF1A2 c.293T>G; Therefore, this variant has been classified as likely pathogenic.